The following is an entry in ClinVar:

ClinVar aggregate classification (germline): Uncertain significance (0 of 4 stars; one submission).

Conditions:
TANC2-related disorder. Also called: TANC2-related condition.

Submission:

PreventionGenetics, part of Exact Sciences
Classification: Uncertain significance for TANC2-related condition. Last evaluated: 2023-12-24. Review status: no assertion criteria provided. Collection method: clinical testing. Allele origin: germline.
Comment: The TANC2 c.3883_3885delCTC variant is predicted to result in an in-frame deletion (p.Leu1295del). To our knowledge, this variant has not been reported in the literature. This variant is reported in 0.0065% of alleles in individuals of African descent in gnomAD. At this time, the clinical significance of this variant is uncertain due to the absence of conclusive functional and genetic evidence.

NM_001394998.1(TANC2):c.4129CTC[2] (p.Leu1379del)

Gene: TANC2 (tetratricopeptide repeat, ankyrin repeat and coiled-coil containing 2; plus strand). Cytogenetic location: 17q23.3.
Variant type: Microsatellite.
Coding change: c.4129CTC[2] on transcript NM_001394998.1 (MANE Select); two copies in a row of the 3-base unit CTC starting at c.4129; the reference has three copies in a row; one copy, 3 bases deleted.
Protein change: p.Leu1379del; deletes leucine 1379.
Genome position (GRCh38, 1-based): chr17:63,415,642-63,415,644, CTC deleted; deleting any 3 consecutive bases within chr17:63,415,636-63,415,644 gives the same sequence; the position shown is the placement nearest the transcript's 3' end. VCF-style (leftmost placement, unchanged base first): chr17-63415635-TCTC-T. GRCh37 (hg19) VCF-style: chr17-61492996-TCTC-T.
Other names: c.3907CTC[2], p.Leu1305del (NM_001411076.1); c.3877CTC[2], p.Leu1295del (NM_025185.4); short protein forms L1295del, L1305del, L1379del.
Identifiers: ClinVar variation 3029707 (VCV003029707.2), dbSNP rs780590274, ClinGen allele CA8698173.